The following is an entry in ClinVar:

NM_002547.3(OPHN1):c.1512A>C (p.Ile504=)

Gene: OPHN1 (oligophrenin 1; minus strand). Cytogenetic location: Xq12.
Variant type: single nucleotide variant.
Coding change: c.1512A>C on transcript NM_002547.3 (MANE Select); coding-DNA position 1512, A replaced by C.
Protein change: p.Ile504=; no amino-acid change (isoleucine 504 retained).
Molecular consequence: synonymous variant.
Genome position (GRCh38, 1-based): chrX:68,111,868, T>G on the plus strand (A>C on the coding strand, the complement: OPHN1 is on the minus strand). VCF-style: chrX-68111868-T-G. GRCh37 (hg19) VCF-style: chrX-67331710-T-G.
Identifiers: ClinVar variation 388844 (VCV000388844.3), dbSNP rs745685598, ClinGen allele CA10436890.

ClinVar aggregate classification (germline): Likely benign. Review status: criteria provided, multiple submitters, no conflicts (2 of 4 stars). 2 submissions from 2 submitters: Likely benign (2). Last evaluated 2016-08-29.

Conditions:
Inborn genetic diseases. Identifiers: MedGen C0950123, MeSH D030342.

Allele frequency attached by ClinVar (database versions not stated): gnomAD exomes 0.00001 and 0.00004; ExAC 0.00002; TOPMed 0.00003.
gnomAD v4.1: 13 of 1,196,780 alleles (0.0011%); highest among the groups gnomAD compares: Admixed American, 0.011%; no homozygotes.

Submissions (2):

GeneDx
Classification: Likely benign. Last evaluated: 2016-08-29. Review status: criteria provided, single submitter. Criteria: GeneDx Variant Classification (06012015). Collection method: clinical testing. Allele origin: germline. Affected: yes.
Comment: This variant is considered likely benign or benign based on one or more of the following criteria: it is a conservative change, it occurs at a poorly conserved position in the protein, it is predicted to be benign by multiple in silico algorithms, and/or has population frequency not consistent with disease.

Ambry Genetics
Classification: Likely benign for Inborn genetic diseases. Last evaluated: 2015-08-12. Review status: criteria provided, single submitter. Criteria: Ambry Variant Classification Scheme 2023. Collection method: clinical testing. Allele origin: germline.